The following is an entry in ClinVar:

NM_004369.4(COL6A3):c.3709C>G (p.Leu1237Val)

Gene: COL6A3 (collagen type VI alpha 3 chain; minus strand). Cytogenetic location: 2q37.3.
Variant type: single nucleotide variant.
Coding change: c.3709C>G on transcript NM_004369.4 (MANE Select); coding-DNA position 3709, C replaced by G.
Protein change: p.Leu1237Val; replaces leucine 1237 with valine.
Molecular consequence: missense variant.
Genome position (GRCh38, 1-based): chr2:237,372,308, G>C on the plus strand (C>G on the coding strand, the complement: COL6A3 is on the minus strand). VCF-style: chr2-237372308-G-C. GRCh37 (hg19) VCF-style: chr2-238280951-G-C.
Other names: c.2488C>G, p.Leu830Val (NM_057164.5); c.3091C>G, p.Leu1031Val (NM_057165.5, NM_057167.4); c.1888C>G, p.Leu630Val (NM_057166.5); short protein forms L1031V, L1237V, L630V, L830V.
Identifiers: ClinVar variation 2111505 (VCV002111505.4), dbSNP rs2077714351, ClinGen allele CA351199715.
Genomic context (GRCh38, chr2:237,372,308, plus strand): 5'-TCTCTATGAGGGTGCGAACGTACTGGAACTCAGGCCCGGCACTTTGGGACCCATCGATGA[G>C]AAAGACCACGTCCCTCTTGCCACCAACACCTGCGAAACAAATGTGAGCATGGCTTCACCT-3'
Protein context (NP_004360.2, residues 1227-1247): GVGGKRDVVF[Leu1237Val]IDGSQSAGPE

ClinVar aggregate classification (germline): Uncertain significance (1 of 4 stars; one submission).

Conditions:
Bethlem myopathy 1A. Also called: MYOPATHY, BENIGN CONGENITAL, WITH CONTRACTURES; Bethlem myopathy 1; Bethlem Muscular Dystrophy. Identifiers: Orphanet 610, MedGen CN029274, MONDO:0024530, OMIM 158810.

Allele frequency attached by ClinVar (database versions not stated): TOPMed below 0.00001.

Submission:

Labcorp Genetics (formerly Invitae), Labcorp
Classification: Uncertain significance for Bethlem myopathy 1A. Last evaluated: 2022-04-01. Review status: criteria provided, single submitter. Criteria: Invitae Variant Classification Sherloc (09022015). Collection method: clinical testing. Allele origin: germline.
Comment: Advanced modeling of protein sequence and biophysical properties (such as structural, functional, and spatial information, amino acid conservation, physicochemical variation, residue mobility, and thermodynamic stability) performed at Invitae indicates that this missense variant is not expected to disrupt COL6A3 protein function. In summary, the available evidence is currently insufficient to determine the role of this variant in disease. Therefore, it has been classified as a Variant of Uncertain Significance. This variant has not been reported in the literature in individuals affected with COL6A3-related conditions. This variant is not present in population databases (gnomAD no frequency). This sequence change replaces leucine, which is neutral and non-polar, with valine, which is neutral and non-polar, at codon 1237 of the COL6A3 protein (p.Leu1237Val).